The following is an entry in ClinVar:

NM_020549.5(CHAT):c.512C>T (p.Ala171Val)

Gene: CHAT (choline O-acetyltransferase; plus strand). Cytogenetic location: 10q11.23.
Variant type: single nucleotide variant.
Coding change: c.512C>T on transcript NM_020549.5 (MANE Select); coding-DNA position 512, C replaced by T.
Protein change: p.Ala171Val; replaces alanine 171 with valine.
Molecular consequence: missense variant.
Genome position (GRCh38, 1-based): chr10:49,619,849, C>T. VCF-style: chr10-49619849-C-T. GRCh37 (hg19) VCF-style: chr10-50827895-C-T.
Other names: c.158C>T, p.Ala53Val (NM_001142929.2, NM_001142934.2, NM_020984.4 and 2 more transcripts); c.266C>T, p.Ala89Val (NM_001142933.2); short protein forms A53V, A171V, A89V.
Identifiers: ClinVar variation 2119249 (VCV002119249.4), dbSNP rs1838637030, ClinGen allele CA376726962.

ClinVar aggregate classification (germline): Uncertain significance (1 of 4 stars; one submission).

Conditions:
Familial infantile myasthenia (CMS6). Also called: Congenital myasthenic syndrome type 6; MYASTHENIC SYNDROME, PRESYNAPTIC, CONGENITAL, ASSOCIATED WITH EPISODIC APNEA; MYASTHENIC SYNDROME, CONGENITAL, 6, PRESYNAPTIC. Identifiers: Orphanet 590, MedGen C0393929, MONDO:0009689, OMIM 254210.

gnomAD v4.1: 2 of 1,613,580 alleles (0.00012%); highest among the groups gnomAD compares: Non-Finnish European, 0.00017%; no homozygotes.

Submission:

Labcorp Genetics (formerly Invitae), Labcorp
Classification: Uncertain significance for Familial infantile myasthenia. Last evaluated: 2022-03-29. Review status: criteria provided, single submitter. Criteria: Invitae Variant Classification Sherloc (09022015). Collection method: clinical testing. Allele origin: germline.
Comment: This variant is not present in population databases (gnomAD no frequency). In summary, the available evidence is currently insufficient to determine the role of this variant in disease. Therefore, it has been classified as a Variant of Uncertain Significance. Advanced modeling of protein sequence and biophysical properties (such as structural, functional, and spatial information, amino acid conservation, physicochemical variation, residue mobility, and thermodynamic stability) performed at Invitae indicates that this missense variant is not expected to disrupt CHAT protein function. This variant has not been reported in the literature in individuals affected with CHAT-related conditions. This sequence change replaces alanine, which is neutral and non-polar, with valine, which is neutral and non-polar, at codon 171 of the CHAT protein (p.Ala171Val).